The following is an entry in ClinVar:

ClinVar aggregate classification (germline): Uncertain significance (1 of 4 stars; one submission).

Conditions:
Alpha thalassemia-X-linked intellectual disability syndrome (ATRX). Also called: X-linked alpha-thalassemia-mental retardation syndrome; ALPHA-THALASSEMIA/IMPAIRED INTELLECTUAL DEVELOPMENT SYNDROME, X-LINKED; ALPHA-THALASSEMIA/MENTAL RETARDATION SYNDROME, X-LINKED; ATR, NONDELETION TYPE; ATR-X syndrome; Alpha thalassemia mental retardation syndrome, nondeletion type, X-linked. Identifiers: Orphanet 847, MedGen C1845055, MONDO:0010519, OMIM 301040.

Submission:

Labcorp Genetics (formerly Invitae), Labcorp
Classification: Uncertain significance for Alpha thalassemia-X-linked intellectual disability syndrome. Last evaluated: 2025-02-24. Review status: criteria provided, single submitter. Criteria: Invitae Variant Classification Sherloc (09022015). Collection method: clinical testing. Allele origin: germline.
Comment: This sequence change replaces serine, which is neutral and polar, with proline, which is neutral and non-polar, at codon 962 of the ATRX protein (p.Ser962Pro). This variant is not present in population databases (gnomAD no frequency). This variant has not been reported in the literature in individuals affected with ATRX-related conditions. ClinVar contains an entry for this variant (Variation ID: 1492327). Invitae Evidence Modeling of protein sequence and biophysical properties (such as structural, functional, and spatial information, amino acid conservation, physicochemical variation, residue mobility, and thermodynamic stability) indicates that this missense variant is not expected to disrupt ATRX protein function with a negative predictive value of 95%. In summary, the available evidence is currently insufficient to determine the role of this variant in disease. Therefore, it has been classified as a Variant of Uncertain Significance.

NM_000489.6(ATRX):c.2884T>C (p.Ser962Pro)

Gene: ATRX (ATRX chromatin remodeler; minus strand). Cytogenetic location: Xq21.1.
Variant type: single nucleotide variant.
Coding change: c.2884T>C on transcript NM_000489.6 (MANE Select); coding-DNA position 2884, T replaced by C.
Protein change: p.Ser962Pro; replaces serine 962 with proline.
Molecular consequence: missense variant.
Genome position (GRCh38, 1-based): chrX:77,682,372, A>G on the plus strand (T>C on the coding strand, the complement: ATRX is on the minus strand). VCF-style: chrX-77682372-A-G. GRCh37 (hg19) VCF-style: chrX-76937864-A-G.
Other names: c.2770T>C, p.Ser924Pro (NM_138270.5); short protein forms S924P, S962P.
Identifiers: ClinVar variation 1492327 (VCV001492327.8), dbSNP rs2148586632, ClinGen allele CA413709968.